The following is an entry in ClinVar:

NM_006015.6(ARID1A):c.3286T>C (p.Tyr1096His)

Gene: ARID1A (AT-rich interaction domain 1A; plus strand). Cytogenetic location: 1p36.11.
Variant type: single nucleotide variant.
Coding change: c.3286T>C on transcript NM_006015.6 (MANE Select); coding-DNA position 3286, T replaced by C.
Protein change: p.Tyr1096His; replaces tyrosine 1096 with histidine.
Molecular consequence: missense variant.
Genome position (GRCh38, 1-based): chr1:26,771,206, T>C. VCF-style: chr1-26771206-T-C. GRCh37 (hg19) VCF-style: chr1-27097697-T-C.
Other names: c.3286T>C, p.Tyr1096His (NM_139135.4); short protein forms Y1096H.
Identifiers: ClinVar variation 3367136 (VCV003367136.1).

ClinVar aggregate classification (germline): Uncertain significance (1 of 4 stars; one submission).

Conditions:
Intellectual disability, autosomal dominant 14 (CSS2). Also called: COFFIN-SIRIS SYNDROME 2. Identifiers: Orphanet 1465, MedGen C3553247, MONDO:0013819, OMIM 614607.

Submission:

Neuberg Centre For Genomic Medicine, NCGM
Classification: Uncertain significance for Intellectual disability, autosomal dominant 14. Last evaluated: 2023-05-20. Review status: criteria provided, single submitter. Criteria: ACMG Guidelines, 2015. Collection method: clinical testing. Allele origin: germline. Inheritance: Autosomal dominant inheritance. Affected: yes.
Comment: The observed missense c.3286T>C(p.Tyr1096His) variant in ARID1A gene has not been reported previously as a pathogenic variant nor as a benign variant, to our knowledge. This variant is absent in gnomAD Exomes. The amino acid Tyr at position 1096 is changed to a His changing protein sequence and it might alter its composition and physico-chemical properties. The amino acid change p.Tyr1096His in ARID1A is predicted as conserved by GERP++ and PhyloP across 100 vertebrates. Multiple lines of computational evidence (Polyphen - Damaging, SIFT - Damaging, and MutationTaster - Disease causing) predict a damaging effect on protein structure and function for this variant. For these reasons, this variant has been classified as Uncertain Significance.